The following is an entry in ClinVar:

ClinVar aggregate classification (germline): Likely pathogenic (1 of 4 stars; one submission).

Conditions:
Usher syndrome type 2A. Also called: RETINAL DISEASE IN USHER SYNDROME TYPE IIA, MODIFIER OF; USHER SYNDROME, TYPE IIA. Identifiers: Orphanet 231178, Orphanet 886, MedGen C1848634, MONDO:0010169, OMIM 276901.

Submission:

Myriad Genetics, Inc.
Classification: Likely pathogenic for Usher syndrome type 2A. Last evaluated: 2022-04-10. Review status: criteria provided, single submitter. Criteria: Myriad Women's Health Autosomal Recessive and X-Linked Classification Criteria (2021). Collection method: clinical testing. Allele origin: unknown.
Comment: NM_206933.2(USH2A):c.1014_1015insTATT(A339Yfs*10) is expected to be pathogenic in the context of USH2A-related disorders. This variant is predicted to lead to an abnormal or absent protein product due to the creation of a premature termination codon in USH2A, a gene where loss-of-function variants are known to be pathogenic. Please note: this variant was assessed in the context of healthy population screening.

NM_206933.4(USH2A):c.1014_1015insTATT (p.Ala339fs)

Gene: USH2A (usherin; minus strand). Cytogenetic location: 1q41.
Variant type: Insertion.
Coding change: c.1014_1015insTATT on transcript NM_206933.4 (MANE Select); coding-DNA positions 1014 to 1015, TATT inserted.
Protein change: p.Ala339fs; shifts the reading frame from alanine 339.
Molecular consequence: frameshift variant.
Genome position: GRCh38 VCF-style: chr1-216325433-C-CAATA. GRCh37 (hg19) VCF-style: chr1-216498775-C-CAATA.
Other names: c.1014_1015insTATT, p.Ala339fs (NM_007123.6); short protein forms A339fs.
Identifiers: ClinVar variation 1725901 (VCV001725901.2), dbSNP rs2527440026, ClinGen allele CA2580062226.